The following is an entry in ClinVar:

NM_001363.5(DKC1):c.1165A>C (p.Lys389Gln)

Gene: DKC1 (dyskerin pseudouridine synthase 1; plus strand). Cytogenetic location: Xq28.
Variant type: single nucleotide variant.
Coding change: c.1165A>C on transcript NM_001363.5 (MANE Select); coding-DNA position 1165, A replaced by C.
Protein change: p.Lys389Gln; replaces lysine 389 with glutamine.
Molecular consequence: missense variant. On other transcripts: non-coding transcript variant (3).
Genome position (GRCh38, 1-based): chrX:154,774,611, A>C. VCF-style: chrX-154774611-A-C. GRCh37 (hg19) VCF-style: chrX-154002886-A-C.
Other names: c.1165A>C, p.Lys389Gln (NM_001142463.3, NM_001288747.2); short protein forms K389Q.
Identifiers: ClinVar variation 3649366 (VCV003649366.2).

ClinVar aggregate classification (germline): Uncertain significance (1 of 4 stars; one submission).

Conditions:
Dyskeratosis congenita. Identifiers: Orphanet 1775, MedGen C0265965, MONDO:0015780.

Submission:

Labcorp Genetics (formerly Invitae), Labcorp
Classification: Uncertain significance for Dyskeratosis congenita. Last evaluated: 2024-04-09. Review status: criteria provided, single submitter. Criteria: Invitae Variant Classification Sherloc (09022015). Collection method: clinical testing. Allele origin: germline.
Comment: This sequence change replaces lysine, which is basic and polar, with glutamine, which is neutral and polar, at codon 389 of the DKC1 protein (p.Lys389Gln). This variant is not present in population databases (gnomAD no frequency). This variant has not been reported in the literature in individuals affected with DKC1-related conditions. Advanced modeling of protein sequence and biophysical properties (such as structural, functional, and spatial information, amino acid conservation, physicochemical variation, residue mobility, and thermodynamic stability) performed at Invitae indicates that this missense variant is expected to disrupt DKC1 protein function with a positive predictive value of 80%. In summary, the available evidence is currently insufficient to determine the role of this variant in disease. Therefore, it has been classified as a Variant of Uncertain Significance.